The following is an entry in ClinVar:

NM_003690.5(PRKRA):c.610-1_610insGAATGCTGCTGAGAAATTTCTTGCCAAATTTAGTAATATTTCTCCAGAGAACCACATTTCTTTA

Genes: CHROMR (cholesterol induced regulator of metabolism RNA; plus strand), PRKRA (protein activator of interferon induced protein kinase EIF2AK2; minus strand). Cytogenetic location: 2q31.2.
Variant type: Insertion.
Coding change: c.610-1_610insGAATGCTGCTGAGAAATTTCTTGCCAAATTTAGTAATATTTCTCCAGAGAACCACATTTCTTTA on transcript NM_003690.5 (MANE Select); the canonical splice acceptor site of the intron before coding-DNA position 610 through coding-DNA position 610, GAATGCTGCTGAGAAATTTCTTGCCAAATTTAGTAATATTTCTCCAGAGAACCACATTTCTTTA inserted.
Molecular consequence: splice acceptor variant.
Genome position: GRCh38: chr2:178,436,319-178,436,320. GRCh37 (hg19): chr2:179,301,046-179,301,047.
Other names: c.271-1_271insGAATGCTGCTGAGAAATTTCTTGCCAAATTTAGTAATATTTCTCCAGAGAACCACATTTCTTTA (NM_001316362.2); c.577-1_577insGAATGCTGCTGAGAAATTTCTTGCCAAATTTAGTAATATTTCTCCAGAGAACCACATTTCTTTA (NM_001139517.1); c.535-1_535insGAATGCTGCTGAGAAATTTCTTGCCAAATTTAGTAATATTTCTCCAGAGAACCACATTTCTTTA (NM_001139518.1).
Identifiers: ClinVar variation 1049461 (VCV001049461.3), dbSNP rs775832077, ClinGen allele CA1983816.

ClinVar aggregate classification (germline): Uncertain significance. Review status: criteria provided, single submitter (1 of 4 stars). 2 submissions from 2 submitters: Uncertain significance (1). 1 of the submissions does not count toward it. Last evaluated 2025-12-12.

Conditions:
Dystonia 16 (DYT16). Also called: DYT-PRKRA. Identifiers: Orphanet 210571, MedGen C2677567, MONDO:0012789, OMIM 612067.

Submissions (2):

Dasa
Classification: Uncertain significance. Last evaluated: 2025-12-12. Review status: criteria provided, single submitter. Criteria: DASA Assertion Criteria. Collection method: clinical testing. Allele origin: germline.
Comment: NM_003690.5(PRKRA):c.610-1_610insGAATGCTGCTGAGAAATTTCTTGCCAAATTTAGTAATATTTCTCCAGAGAACCACATTTCTTTA (p.Thr204Glufs*4) is a splice-region variant predicted to affect normal RNA splicing. This variant is rare in population databases. The currently available literature and clinical evidence are not sufficient to establish a definitive association between this variant and the reported condition. Therefore, this variant is classified as a variant of uncertain significance.

Department of Pathology and Laboratory Medicine, Sinai Health System
Classification: Likely pathogenic for Dystonia 16. Review status: no assertion criteria provided. Collection method: clinical testing. Allele origin: unknown. Affected: yes. Study: The Canadian Open Genetics Repository (COGR). Not counted in ClinVar's aggregate classification.
Comment: This variant was not identified in the literature, nor was it identified in the ClinVar, dbSNP, or LOVD databases. A different insertion at the same location (c.610-1T>TTAAAGAAATGTGGTTCTCTGGAGAAATATTA) is reported in LOVD by the VKGL data sharing initiative Nederland as benign and not affecting protein function. Â¬â€ Allele frequency in the general population is extremely low (0.07%, ExAC) with recommended threshold of 1.0% in the general population. This is an acceptor site variant in a gene where loss of function is a known mechanism of disease. In addition, 2 of 4 in silico or computational prediction software programs (SpliceSiteFinder, MaxEntScan, NNSPLICE, GeneSplicer) predict a greater than 10% difference in splicing. In summary, based on the above information the clinical significance of this variant cannot be determined with certainty at this time although we would lean towards a more pathogenic role for this variant. This variant is classified as likely pathogenic.Pathogenic variants in PRKRA cause dystonia with mild parkinsonism, characterized by dystonia with prominent oromandibular involvement, dysphagia, and retrocollis. Parkinsonian features are mild (or even absent) and do not respond to levodopa therapy (GeneReviews, Klein_2017_NCBI ID:NBK1155). Onset usually occurs between 7 and 18 years; the condition is progressive (MIM: 612067). Dystonia associated with PRKRA is inherited in an autosomal recessive fashion.